The following is an entry in ClinVar:

ClinVar aggregate classification (germline): Pathogenic (1 of 4 stars; one submission).

Submission:

Labcorp Genetics (formerly Invitae), Labcorp
Classification: Pathogenic. Last evaluated: 2022-10-03. Review status: criteria provided, single submitter. Criteria: Invitae Variant Classification Sherloc (09022015). Collection method: clinical testing. Allele origin: germline.
Comment: This variant is not present in population databases (gnomAD no frequency). This sequence change creates a premature translational stop signal (p.Thr2406Profs*7) in the USH2A gene. It is expected to result in an absent or disrupted protein product. Loss-of-function variants in USH2A are known to be pathogenic (PMID: 10729113, 10909849, 20507924, 25649381). This variant has not been reported in the literature in individuals affected with USH2A-related conditions. For these reasons, this variant has been classified as Pathogenic. ClinVar contains an entry for this variant (Variation ID: 1454013).

Literature cited by the submitters: PubMed 10729113; PubMed 10909849; PubMed 20507924; PubMed 25649381.

NM_206933.4(USH2A):c.7216del (p.Thr2406fs)

Gene: USH2A (usherin; minus strand). Cytogenetic location: 1q41.
Variant type: Deletion.
Coding change: c.7216del on transcript NM_206933.4 (MANE Select); coding-DNA position 7216, one base deleted (A; older notation c.7216delA).
Protein change: p.Thr2406fs; shifts the reading frame from threonine 2406.
Molecular consequence: frameshift variant.
Genome position (GRCh38, 1-based): chr1:215,934,700, T deleted on the plus strand (A on the coding strand, the reverse complement: USH2A is on the minus strand). VCF-style (leftmost placement, unchanged base first): chr1-215934699-GT-G. GRCh37 (hg19) VCF-style: chr1-216108041-GT-G.
Other names: short protein forms T2406fs.
Identifiers: ClinVar variation 1454013 (VCV001454013.6), dbSNP rs2102499681, ClinGen allele CA2573130625.